The following is an entry in ClinVar:

NM_001145308.5(LRTOMT):c.191T>G (p.Val64Gly)

Genes: LRTOMT (leucine rich transmembrane and O-methyltransferase domain containing; plus strand), TOMT (transmembrane O-methyltransferase; plus strand). Cytogenetic location: 11q13.4.
Variant type: single nucleotide variant.
Coding change: c.191T>G on transcript NM_001145308.5; coding-DNA position 191, T replaced by G.
Protein change: p.Val64Gly; replaces valine 64 with glycine.
Molecular consequence: missense variant. On other transcripts: intron variant (1).
Genome position (GRCh38, 1-based): chr11:72,106,043, T>G. VCF-style: chr11-72106043-T-G. GRCh37 (hg19) VCF-style: chr11-71817089-T-G.
Other names: c.92T>G, p.Val31Gly (NM_001393500.2); c.191T>G, p.Val64Gly (NM_001145309.4); c.84-13T>G (NM_001145310.4); short protein forms V64G, V31G.
Identifiers: ClinVar variation 179867 (VCV000179867.12), dbSNP rs574631765, ClinGen allele CA185304.

ClinVar aggregate classification (germline): Uncertain significance. Review status: criteria provided, multiple submitters, no conflicts (2 of 4 stars). 4 submissions from 4 submitters: Uncertain significance (4). Last evaluated 2025-08-26.

Conditions:
Inborn genetic diseases. Identifiers: MedGen C0950123, MeSH D030342.
Autosomal recessive nonsyndromic hearing loss 63. Identifiers: Orphanet 90636, MedGen C1969621, MONDO:0012670, OMIM 611451.

Allele frequency attached by ClinVar (database versions not stated): gnomAD 0.00004 and 0.00005; gnomAD exomes 0.00004; TOPMed 0.00004; ExAC 0.00015; 1000 Genomes Project 30x 0.00016; 1000 Genomes Project 0.00020.

Submissions (4):

Ambry Genetics
Classification: Uncertain significance for Inborn genetic diseases. Last evaluated: 2025-08-26. Review status: criteria provided, single submitter. Criteria: Ambry Variant Classification Scheme 2023. Collection method: clinical testing. Allele origin: germline.

Labcorp Genetics (formerly Invitae), Labcorp
Classification: Uncertain significance. Last evaluated: 2022-04-08. Review status: criteria provided, single submitter. Criteria: Invitae Variant Classification Sherloc (09022015). Collection method: clinical testing. Allele origin: germline.
Comment: In summary, the available evidence is currently insufficient to determine the role of this variant in disease. Therefore, it has been classified as a Variant of Uncertain Significance. Algorithms developed to predict the effect of missense changes on protein structure and function (SIFT, PolyPhen-2, Align-GVGD) all suggest that this variant is likely to be disruptive. ClinVar contains an entry for this variant (Variation ID: 179867). This variant has not been reported in the literature in individuals affected with LRTOMT-related conditions. This variant is present in population databases (rs574631765, gnomAD 0.01%). This sequence change replaces valine, which is neutral and non-polar, with glycine, which is neutral and non-polar, at codon 64 of the LRTOMT protein (p.Val64Gly).

Department of Pathology and Laboratory Medicine, Sinai Health System
Classification: Uncertain significance for Autosomal recessive nonsyndromic hearing loss 63. Last evaluated: 2020-05-31. Review status: criteria provided, single submitter. Criteria: ACMG Guidelines, 2015. Collection method: research. Allele origin: germline.

Laboratory for Molecular Medicine, Mass General Brigham Personalized Medicine
Classification: Uncertain significance. Last evaluated: 2014-08-13. Review status: criteria provided, single submitter. Criteria: LMM Criteria. Collection method: clinical testing. Allele origin: germline. Observed: 1 variant allele.
Comment: The Val64Gly variant in LRTOMT has not been previously reported in individuals w ith hearing loss or in large population studies. Computational prediction tools and conservation analysis suggest that this variant may impact the protein, thou gh this information is not predictive enough to determine pathogenicity. In summ ary, the clinical significance of the Val64Gly variant is uncertain.